The following is an entry in ClinVar:

ClinVar aggregate classification (germline): Likely benign (1 of 4 stars; one submission).

Submission:

CeGaT Center for Human Genetics Tuebingen
Classification: Likely benign. Last evaluated: 2025-05-01. Review status: criteria provided, single submitter. Criteria: CeGaT Center For Human Genetics Tuebingen Variant Classification Criteria Version 2. Collection method: clinical testing. Allele origin: germline. Affected: yes. Observed: 1 variant allele.
Comment: TNXB: PM2:Supporting, BP4, BP7

NM_001365276.2(TNXB):c.1866C>T (p.Pro622=)

Gene: TNXB (tenascin XB; minus strand). Cytogenetic location: 6p21.33.
Variant type: single nucleotide variant.
Coding change: c.1866C>T on transcript NM_001365276.2 (MANE Select); coding-DNA position 1866, C replaced by T.
Protein change: p.Pro622=; no amino-acid change (proline 622 retained).
Molecular consequence: synonymous variant.
Genome position (GRCh38, 1-based): chr6:32,095,987, G>A on the plus strand (C>T on the coding strand, the complement: TNXB is on the minus strand). VCF-style: chr6-32095987-G-A. GRCh37 (hg19) VCF-style: chr6-32063764-G-A.
Other names: c.1866C>T, p.Pro622= (NM_001428335.1, NM_019105.8).
Identifiers: ClinVar variation 3905764 (VCV003905764.10).